The following is an entry in ClinVar:

ClinVar aggregate classification (germline): Uncertain significance. Review status: criteria provided, multiple submitters, no conflicts (2 of 4 stars). 3 submissions from 3 submitters: Uncertain significance (3). Last evaluated 2026-04-12.

Conditions:
Hereditary cancer-predisposing syndrome. Also called: Hereditary Cancer Syndrome; Neoplastic Syndromes, Hereditary; Hereditary neoplastic syndrome; Tumor predisposition. Identifiers: Orphanet 140162, MedGen C0027672, MeSH D009386, MONDO:0015356.

Submissions (3):

Ambry Genetics
Classification: Uncertain significance for Hereditary cancer-predisposing syndrome. Last evaluated: 2026-04-12. Review status: criteria provided, single submitter. Criteria: Ambry Variant Classification Scheme 2023. Collection method: clinical testing. Allele origin: germline.
Comment: The p.D1434Y variant (also known as c.4300G>T), located in coding exon 23 of the PTCH1 gene, results from a G to T substitution at nucleotide position 4300. The aspartic acid at codon 1434 is replaced by tyrosine, an amino acid with highly dissimilar properties. This amino acid position is conserved. In addition, this alteration is predicted to be deleterious by in silico analysis. Based on the available evidence, the clinical significance of this variant remains unclear.

Quest Diagnostics Nichols Institute San Juan Capistrano
Classification: Uncertain significance. Last evaluated: 2024-01-10. Review status: criteria provided, single submitter. Criteria: Quest Diagnostics criteria. Collection method: clinical testing. Allele origin: unknown.
Comment: The PTCH1 c.4300G>T (p.Asp1434Tyr) variant has not been reported in individuals with PTCH1-related conditions in the published literature. It also has not been reported in large, multi-ethnic general populations (Genome Aggregation Database). Analysis of this variant using bioinformatics tools for the prediction of the effect of amino acid changes on protein structure and function yielded predictions that this variant is damaging. Based on the available information, we are unable to determine the clinical significance of this variant.

Sema4
Classification: Uncertain significance for Hereditary cancer-predisposing syndrome. Last evaluated: 2022-02-09. Review status: criteria provided, single submitter. Criteria: Sema4 Curation Guidelines. Collection method: curation. Allele origin: germline.
Comment: The PTCH1 c.4300G>T (p.D1434Y) variant has not been reported in the literature to our knowledge. This variant is not reported in the population database Genome Aggregation Database (PMID: 32461654) nor in ClinVar. In silico tools suggest the impact of the variant on protein function is deleterious, though these predictions have not been confirmed by functional studies. The evidence is insufficient to meet ACMG/AMP criteria for classifying the variant as benign or pathogenic. Thus, the clinical significance of this variant is currently uncertain.

NM_000264.5(PTCH1):c.4300G>T (p.Asp1434Tyr)

Gene: PTCH1 (patched 1; minus strand). Cytogenetic location: 9q22.32.
Variant type: single nucleotide variant.
Coding change: c.4300G>T on transcript NM_000264.5 (MANE Select); coding-DNA position 4300, G replaced by T.
Protein change: p.Asp1434Tyr; replaces aspartic acid 1434 with tyrosine.
Molecular consequence: missense variant. On other transcripts: non-coding transcript variant (1).
Genome position (GRCh38, 1-based): chr9:95,446,956, C>A on the plus strand (G>T on the coding strand, the complement: PTCH1 is on the minus strand). VCF-style: chr9-95446956-C-A. GRCh37 (hg19) VCF-style: chr9-98209238-C-A.
Other names: c.4102G>T, p.Asp1368Tyr (NM_001083602.3); c.4297G>T, p.Asp1433Tyr (NM_001083603.3); c.3847G>T, p.Asp1283Tyr (NM_001083604.3, NM_001083605.3, NM_001083606.3 and 1 more transcripts); c.4144G>T, p.Asp1382Tyr (NM_001354918.2); c.4300G>T (NM_000264.4); short protein forms D1283Y, D1368Y, D1382Y, D1433Y, D1434Y.
Identifiers: ClinVar variation 1692313 (VCV001692313.3), dbSNP rs1564004355, ClinGen allele CA374109926.